The following is an entry in ClinVar:

ClinVar aggregate classification (germline): Likely benign (0 of 4 stars; one submission).

Conditions:
COL6A3-related disorder. Also called: COL6A3-related disorders; COL6A3-related condition.

Submission:

PreventionGenetics, part of Exact Sciences
Classification: Likely benign for COL6A3-related condition. Last evaluated: 2023-12-05. Review status: no assertion criteria provided. Collection method: clinical testing. Allele origin: germline.
Comment: This variant is classified as likely benign based on ACMG/AMP sequence variant interpretation guidelines (Richards et al. 2015 PMID: 25741868, with internal and published modifications).

NM_004369.4(COL6A3):c.5580C>T (p.Ser1860=)

Gene: COL6A3 (collagen type VI alpha 3 chain; minus strand). Cytogenetic location: 2q37.3.
Variant type: single nucleotide variant.
Coding change: c.5580C>T on transcript NM_004369.4 (MANE Select); coding-DNA position 5580, C replaced by T.
Protein change: p.Ser1860=; no amino-acid change (serine 1860 retained).
Molecular consequence: synonymous variant.
Genome position (GRCh38, 1-based): chr2:237,365,956, G>A on the plus strand (C>T on the coding strand, the complement: COL6A3 is on the minus strand). VCF-style: chr2-237365956-G-A. GRCh37 (hg19) VCF-style: chr2-238274599-G-A.
Other names: c.3759C>T, p.Ser1253= (NM_057166.5); c.4962C>T, p.Ser1654= (NM_057167.4).
Identifiers: ClinVar variation 3044367 (VCV003044367.2), dbSNP rs2469880439, ClinGen allele CA431710428.